The following is an entry in ClinVar:

ClinVar aggregate classification (germline): Conflicting classifications of pathogenicity. Review status: criteria provided, conflicting classifications (1 of 4 stars). 4 submissions from 4 submitters: Likely pathogenic (2); Uncertain significance (2). Last evaluated 2026-06-17.

Conditions:
BSCL2-related disorder. Also called: BSCL2-related condition; BSCL2-Related Disorders.
Inborn genetic diseases. Identifiers: MedGen C0950123, MeSH D030342.
Severe neurodegenerative syndrome with lipodystrophy. Also called: ENCEPHALOPATHY, PROGRESSIVE, WITH LIPODYSTROPHY; Encephalopathy, progressive, with or without lipodystrophy. Identifiers: Orphanet 363400, MedGen C4014700, MONDO:0014402, OMIM 615924.
Hereditary spastic paraplegia 17. Also called: Spastic Paraplegia 17; Autosomal dominant spastic paraplegia type 17; Silver Syndrome; SPASTIC PARAPLEGIA WITH AMYOTROPHY OF HANDS AND FEET; Silver spastic paraplegia syndrome. Identifiers: Orphanet 100998, MedGen C2931276, MONDO:0010043, OMIM 270685.
Congenital generalized lipodystrophy type 2 (CGL2). Also called: Berardinelli-Seip Congenital Lipodystrophy Type 2; BERARDINELLI SYNDROME; BRUNZELL SYNDROME, BSCL2-RELATED; SEIP SYNDROME. Identifiers: Orphanet 528, Orphanet 696289, MedGen C1720863, MONDO:0010020, OMIM 269700.
Neuronopathy, distal hereditary motor, type 5C. Also called: DHMN VC; NEURONOPATHY, DISTAL HEREDITARY MOTOR, HARDING TYPE VC; NEUROPATHY, DISTAL HEREDITARY MOTOR, HARDING TYPE VC; SPINAL MUSCULAR ATROPHY, DISTAL, HARDING TYPE VC; NEURONOPATHY, DISTAL HEREDITARY MOTOR, AUTOSOMAL DOMINANT 13. Identifiers: MedGen C5436838, MONDO:0030860, OMIM 619112.
Charcot-Marie-Tooth disease type 2. Also called: Charcot-Marie-Tooth type 2. Identifiers: Orphanet 64746, MedGen C0270914, MONDO:0018993.

Allele frequency attached by ClinVar (database versions not stated): ExAC 0.00001; gnomAD 0.00001; gnomAD exomes 0.00001 and 0.00003; TOPMed 0.00002.
gnomAD v4.1: 46 of 1,613,986 alleles (0.0029%); highest among the groups gnomAD compares: Non-Finnish European, 0.0038%; no homozygotes.

Submissions (4):

PreventionGenetics, part of Exact Sciences
Classification: Uncertain significance for BSCL2-related condition. Last evaluated: 2026-06-17. Review status: criteria provided, single submitter. Criteria: ACMG Guidelines, 2015. Collection method: clinical testing. Allele origin: germline.
Comment: The BSCL2 c.1004A>C variant is predicted to result in the amino acid substitution p.Gln335Pro. In alternate transcripts, NM_032667 and NM_001122955, this variant is also known as c.812A>C, p.(Gln271Pro) and c.1004A>C, p.(Gln335Pro), respectively. This variant has been reported in cohort of individuals with dyslipidemia or in the compound heterozygous state in an individual with regressive autism spectrum disorder and atypical parkinsonism (referred to as p.Gln271Pro in Table S4, Dron et al. 2020. PubMed ID: 32041611; referred to as c.1004A>C in Poisson et al. 2018. PubMed ID: 30150100). This variant is reported in 0.0023% of alleles in individuals of European (Non-Finnish) descent in gnomAD. At this time, the clinical significance of this variant is uncertain due to the absence of conclusive functional and genetic evidence.

Labcorp Genetics (formerly Invitae), Labcorp
Classification: Likely pathogenic for Charcot-Marie-Tooth disease type 2. Last evaluated: 2026-01-31. Review status: criteria provided, single submitter. Criteria: Invitae Variant Classification Sherloc (09022015). Collection method: clinical testing. Allele origin: germline.
Comment: This sequence change replaces glutamine, which is neutral and polar, with proline, which is neutral and non-polar, at codon 271 of the BSCL2 protein (p.Gln271Pro). RNA analysis indicates that this missense change induces altered splicing and may result in an absent or altered protein product. This variant is present in population databases (rs779199750, gnomAD 0.002%). This missense change has been observed in individual(s) with clinical features of autosomal recessive BSCL2-related conditions (PMID: 30150100). In at least one individual the data is consistent with being in trans (on the opposite chromosome) from a pathogenic variant. This variant is also known as c.1004A>C (p.Gln335Pro). ClinVar contains an entry for this variant (Variation ID: 952140). An algorithm developed to predict the effect of missense changes on protein structure and function (PolyPhen-2) suggests that this variant is likely to be disruptive. Studies have shown that this missense change results in skipping of exon 7, and produces a non-functional protein and/or introduces a premature termination codon (PMID: 30150100). In summary, the currently available evidence indicates that the variant is pathogenic, but additional data are needed to prove that conclusively. Therefore, this variant has been classified as Likely Pathogenic.

Fulgent Genetics
Classification: Likely pathogenic for Congenital generalized lipodystrophy type 2; Hereditary spastic paraplegia 17; Severe neurodegenerative syndrome with lipodystrophy; Neuronopathy, distal hereditary motor, type 5C. Last evaluated: 2024-01-30. Review status: criteria provided, single submitter. Criteria: ACMG Guidelines, 2015. Collection method: clinical testing. Allele origin: germline.

Ambry Genetics
Classification: Uncertain significance for Inborn genetic diseases. Last evaluated: 2021-01-13. Review status: criteria provided, single submitter. Criteria: Ambry Variant Classification Scheme 2023. Collection method: clinical testing. Allele origin: germline.
Comment: The p.Q271P variant (also known as c.812A>C), located in coding exon 6 of the BSCL2 gene, results from an A to C substitution at nucleotide position 812. The glutamine at codon 271 is replaced by proline, an amino acid with similar properties. This amino acid position is well conserved in available vertebrate species. In addition, the in silico prediction for this alteration is inconclusive. Since supporting evidence is limited at this time, the clinical significance of this alteration remains unclear.

Literature cited by the submitters: PubMed 30150100 (cited by Labcorp Genetics (formerly Invitae), Labcorp).

NM_001122955.4(BSCL2):c.1004A>C (p.Gln335Pro)

Genes: BSCL2 (BSCL2 lipid droplet biogenesis associated, seipin; minus strand), HNRNPUL2-BSCL2 (HNRNPUL2-BSCL2 readthrough (NMD candidate); minus strand). Cytogenetic location: 11q12.3.
Variant type: single nucleotide variant.
Coding change: c.1004A>C on transcript NM_001122955.4 (MANE Select); coding-DNA position 1004, A replaced by C.
Protein change: p.Gln335Pro; replaces glutamine 335 with proline.
Molecular consequence: missense variant. On other transcripts: non-coding transcript variant (1), intron variant (1).
Genome position (GRCh38, 1-based): chr11:62,691,281, T>G on the plus strand (A>C on the coding strand, the complement: BSCL2 is on the minus strand). VCF-style: chr11-62691281-T-G. GRCh37 (hg19) VCF-style: chr11-62458753-T-G.
Other names: c.1004A>C, p.Gln335Pro (NM_001386027.1, NM_001386028.1); c.812A>C, p.Gln271Pro (NM_032667.6); c.672-140A>C (NM_001130702.2); c.1004A>C (NM_001122955.3); short protein forms Q271P, Q335P.
Identifiers: ClinVar variation 952140 (VCV000952140.13), dbSNP rs779199750, ClinGen allele CA6053388.